The following is an entry in ClinVar:

ClinVar aggregate classification (germline): Likely pathogenic (1 of 4 stars; one submission).

Allele frequency attached by ClinVar (database versions not stated): TOPMed below 0.00001.
gnomAD v4.1: 8 of 1,613,630 alleles (0.0005%); highest among the groups gnomAD compares: Non-Finnish European, 0.00059%; no homozygotes.

Submission:

Labcorp Genetics (formerly Invitae), Labcorp
Classification: Likely pathogenic. Last evaluated: 2022-06-30. Review status: criteria provided, single submitter. Criteria: Invitae Variant Classification Sherloc (09022015). Collection method: clinical testing. Allele origin: germline.
Comment: This sequence change affects a donor splice site in intron 4 of the MSTO1 gene. It is expected to disrupt RNA splicing. Variants that disrupt the donor or acceptor splice site typically lead to a loss of protein function (PMID: 16199547), and loss-of-function variants in MSTO1 are known to be pathogenic (PMID: 28544275, 29339779, 31463572). This variant is not present in population databases (gnomAD no frequency). This variant has not been reported in the literature in individuals affected with MSTO1-related conditions. Algorithms developed to predict the effect of sequence changes on RNA splicing suggest that this variant may disrupt the consensus splice site. In summary, the currently available evidence indicates that the variant is pathogenic, but additional data are needed to prove that conclusively. Therefore, this variant has been classified as Likely Pathogenic.

Literature cited by the submitters: PubMed 16199547; PubMed 28544275; PubMed 29339779; PubMed 31463572.

NM_018116.4(MSTO1):c.366+1G>C

Gene: MSTO1 (misato mitochondrial distribution and morphology regulator 1; plus strand). Cytogenetic location: 1q22.
Variant type: single nucleotide variant.
Coding change: c.366+1G>C on transcript NM_018116.4 (MANE Select); the canonical splice donor site of the intron after coding-DNA position 366, G replaced by C.
Molecular consequence: splice donor variant. On other transcripts: 5 prime UTR variant (7), non-coding transcript variant (1).
Genome position (GRCh38, 1-based): chr1:155,611,292, G>C. VCF-style: chr1-155611292-G-C. GRCh37 (hg19) VCF-style: chr1-155581083-G-C.
Other names: c.-254G>C (NM_001350778.1); c.-232G>C (NM_001350782.1, NM_001350783.1, NM_001350786.1 and 1 more transcripts); c.-303G>C (NM_001350785.1, NM_001350789.1); c.-191+1G>C (NM_001350779.1, NM_001350777.1); c.-240+1G>C (NM_001350784.1, NM_001350787.1); c.-307+1G>C (NM_001350781.1, NM_001350780.1); c.79+1G>C (NM_001350776.1); c.366+1G>C (NM_001350773.1, NM_001350774.1, NM_001350775.1 and 3 more transcripts).
Identifiers: ClinVar variation 2142931 (VCV002142931.1), dbSNP rs781637955, ClinGen allele CA342757029.
Genomic context (GRCh38, chr1:155,611,292, plus strand): 5'-ACACACAAAGAGGAACTCTATCCCAAGAACCCTTATCTCCAAGACTTTCTGAGTGCAGAG[G>C]TGAGGGCCTCTGTCCTGAACTTTTTAACCCGGTGCCACAACCCGAGGGTCTCCATAGGGG-3'